The following is an entry in ClinVar:

NM_020831.6(MRTFA):c.1231C>G (p.Leu411Val)

Gene: MRTFA (myocardin related transcription factor A; minus strand). Cytogenetic location: 22q13.1.
Variant type: single nucleotide variant.
Coding change: c.1231C>G on transcript NM_020831.6 (MANE Select); coding-DNA position 1231, C replaced by G.
Protein change: p.Leu411Val; replaces leucine 411 with valine.
Molecular consequence: missense variant.
Genome position (GRCh38, 1-based): chr22:40,420,527, G>C on the plus strand (C>G on the coding strand, the complement: MRTFA is on the minus strand). VCF-style: chr22-40420527-G-C. GRCh37 (hg19) VCF-style: chr22-40816531-G-C.
Other names: c.931C>G, p.Leu311Val (NM_001282660.2); c.1081C>G, p.Leu361Val (NM_001282661.3); c.1231C>G, p.Leu411Val (NM_001282662.3); c.1036C>G, p.Leu346Val (NM_001318139.2); short protein forms L311V, L346V, L361V, L411V.
Identifiers: ClinVar variation 1683102 (VCV001683102.8), dbSNP rs767060309, ClinGen allele CA10249737.

ClinVar aggregate classification (germline): Uncertain significance (1 of 4 stars; one submission).

Allele frequency attached by ClinVar (database versions not stated): gnomAD exomes 0.00001 and 0.00004; ExAC 0.00003.
gnomAD v4.1: 13 of 1,613,676 alleles (0.00081%); highest among the groups gnomAD compares: Admixed American, 0.02%; no homozygotes.

Submission:

Labcorp Genetics (formerly Invitae), Labcorp
Classification: Uncertain significance. Last evaluated: 2025-10-04. Review status: criteria provided, single submitter. Criteria: Invitae Variant Classification Sherloc (09022015). Collection method: clinical testing. Allele origin: germline.
Comment: This sequence change replaces leucine, which is neutral and non-polar, with valine, which is neutral and non-polar, at codon 311 of the MKL1 protein (p.Leu311Val). This variant is present in population databases (rs767060309, gnomAD 0.03%). This variant has not been reported in the literature in individuals affected with MKL1-related conditions. ClinVar contains an entry for this variant (Variation ID: 1683102). An algorithm developed to predict the effect of missense changes on protein structure and function (PolyPhen-2) suggests that this variant is likely to be disruptive. In summary, the available evidence is currently insufficient to determine the role of this variant in disease. Therefore, it has been classified as a Variant of Uncertain Significance.